The following is an entry in ClinVar:

NM_004655.4(AXIN2):c.250T>C (p.Ser84Pro)

Gene: AXIN2 (axin 2; minus strand). Cytogenetic location: 17q24.1.
Variant type: single nucleotide variant.
Coding change: c.250T>C on transcript NM_004655.4 (MANE Select); coding-DNA position 250, T replaced by C.
Protein change: p.Ser84Pro; replaces serine 84 with proline.
Molecular consequence: missense variant.
Genome position (GRCh38, 1-based): chr17:65,558,371, A>G on the plus strand (T>C on the coding strand, the complement: AXIN2 is on the minus strand). VCF-style: chr17-65558371-A-G. GRCh37 (hg19) VCF-style: chr17-63554489-A-G.
Other names: c.250T>C, p.Ser84Pro (NM_001363813.1); short protein forms S84P.
Identifiers: ClinVar variation 2997608 (VCV002997608.3), dbSNP rs2144589146, ClinGen allele CA400681812.

ClinVar aggregate classification (germline): Uncertain significance (1 of 4 stars; one submission).

Conditions:
Oligodontia-cancer predisposition syndrome. Also called: TOOTH AGENESIS-COLORECTAL CANCER SYNDROME. Identifiers: Orphanet 300576, MedGen C1837750, MONDO:0012075, OMIM 608615. Disease mechanism: loss of function.

Submission:

Labcorp Genetics (formerly Invitae), Labcorp
Classification: Uncertain significance for Oligodontia-cancer predisposition syndrome. Last evaluated: 2023-07-29. Review status: criteria provided, single submitter. Criteria: Invitae Variant Classification Sherloc (09022015). Collection method: clinical testing. Allele origin: germline.
Comment: In summary, the available evidence is currently insufficient to determine the role of this variant in disease. Therefore, it has been classified as a Variant of Uncertain Significance. Advanced modeling of protein sequence and biophysical properties (such as structural, functional, and spatial information, amino acid conservation, physicochemical variation, residue mobility, and thermodynamic stability) has been performed at Invitae for this missense variant, however the output from this modeling did not meet the statistical confidence thresholds required to predict the impact of this variant on AXIN2 protein function. This variant has not been reported in the literature in individuals affected with AXIN2-related conditions. This variant is not present in population databases (gnomAD no frequency). This sequence change replaces serine, which is neutral and polar, with proline, which is neutral and non-polar, at codon 84 of the AXIN2 protein (p.Ser84Pro).